The following is an entry in ClinVar:

NM_022455.5(NSD1):c.5026del (p.Ala1676fs)

Gene: NSD1 (nuclear receptor binding SET domain protein 1; plus strand). Cytogenetic location: 5q35.3.
Variant type: Deletion.
Coding change: c.5026del on transcript NM_022455.5 (MANE Select); coding-DNA position 5026, one base deleted (G; older notation c.5026delG).
Protein change: p.Ala1676fs; shifts the reading frame from alanine 1676.
Molecular consequence: frameshift variant.
Genome position (GRCh38, 1-based): chr5:177,260,048, G deleted; the last of 2 consecutive G bases (chr5:177,260,047-177,260,048); deleting either gives the same sequence. VCF-style (leftmost placement, unchanged base first): chr5-177260046-TG-T. GRCh37 (hg19) VCF-style: chr5-176687047-TG-T.
Other names: c.4153del, p.Ala1385fs (NM_001365684.2, NM_001409308.1, NM_001409309.1 and 1 more transcripts); c.5026del (NM_022455.4); c.5026del, p.Ala1676fs (NM_001409301.1, NM_001409302.1, NM_001409303.1); c.4606del, p.Ala1536fs (NM_001409304.1); c.4273del, p.Ala1425fs (NM_001409305.1); c.4264del, p.Ala1422fs (NM_001409306.1, NM_001409307.1); c.5026delG, p.Ala1676Leufs (NM_022455.4); short protein forms A1385fs, A1422fs, A1425fs, A1536fs, A1676fs.
Identifiers: ClinVar variation 3777146 (VCV003777146.1).

ClinVar aggregate classification (germline): Likely pathogenic (1 of 4 stars; one submission).

Conditions:
Sotos syndrome (SOTOS). Also called: CHROMOSOME 5q35 DELETION SYNDROME; SOTOS SYNDROME 1; CEREBRAL GIGANTISM; Sotos' syndrome; Distinctive facial appearance, overgrowth in childhood, and learning disabilities or delayed development. Identifiers: Orphanet 821, MedGen C0175695, MONDO:0019349, OMIM 117550.

Submission:

University of Washington Department of Laboratory Medicine, University of Washington
Classification: Likely pathogenic for Sotos syndrome. Last evaluated: 2021-05-11. Review status: criteria provided, single submitter. Criteria: ACMG Guidelines, 2015. Collection method: clinical testing. Allele origin: unknown. Affected: yes.
Comment: The p.Ala1676Leufs*59 variant in the NSD1 gene has not been previously reported in association with disease and was absent from large population databases, including the Genome Aggregation Database. This variant results in a 1bp deletion, which causes a shift in the protein reading frame, leading to a premature termination codon 59 amino acids downstream. Nonsense-mediated decay resulting in a truncated or absent protein is predicted with this variant. These predictions have not been tested directly. Heterozygous loss-of-function leading to haploinsufficiency of the NSD1 gene is an established mechanism of disease. Using ACMG guidelines, this variant was classified as likely pathogenic for autosomal dominant Sotos Syndrome (ACMG evidence codes used: PVS1, PM2_supporting).